The following is an entry in ClinVar:

NM_004336.5(BUB1):c.1823C>T (p.Ser608Phe)

Gene: BUB1 (BUB1 mitotic checkpoint serine/threonine kinase; minus strand). Cytogenetic location: 2q13.
Variant type: single nucleotide variant.
Coding change: c.1823C>T on transcript NM_004336.5 (MANE Select); coding-DNA position 1823, C replaced by T.
Protein change: p.Ser608Phe; replaces serine 608 with phenylalanine.
Molecular consequence: missense variant.
Genome position (GRCh38, 1-based): chr2:110,655,792, G>A on the plus strand (C>T on the coding strand, the complement: BUB1 is on the minus strand). VCF-style: chr2-110655792-G-A. GRCh37 (hg19) VCF-style: chr2-111413369-G-A.
Other names: c.1763C>T, p.Ser588Phe (NM_001278616.2); c.1823C>T, p.Ser608Phe (NM_001278617.2); short protein forms S608F, S588F.
Identifiers: ClinVar variation 1780797 (VCV001780797.2), dbSNP rs2468001788, ClinGen allele CA348210653.

ClinVar aggregate classification (germline): Uncertain significance (1 of 4 stars; one submission).

Submission:

Ambry Genetics
Classification: Uncertain significance. Last evaluated: 2022-06-01. Review status: criteria provided, single submitter. Criteria: Ambry Variant Classification Scheme 2023. Collection method: clinical testing. Allele origin: germline.
Comment: The p.S608F variant (also known as c.1823C>T), located in coding exon 16 of the BUB1 gene, results from a C to T substitution at nucleotide position 1823. The serine at codon 608 is replaced by phenylalanine, an amino acid with highly dissimilar properties. This amino acid position is conserved. In addition, the in silico prediction for this alteration is inconclusive. Since supporting evidence is limited at this time, the clinical significance of this alteration remains unclear.